The following is an entry in ClinVar:

ClinVar aggregate classification (germline): Uncertain significance (1 of 4 stars; one submission).

Conditions:
Cryptosporidiosis-chronic cholangitis-liver disease syndrome. Also called: IL21R immunodeficiency; Immunodeficiency type 56. Identifiers: Orphanet 357329, MedGen C3554687, MONDO:0014082, OMIM 615207.

Allele frequency attached by ClinVar (database versions not stated): gnomAD exomes below 0.00001 and 0.00001; ExAC 0.00001; gnomAD 0.00001; 1000 Genomes Project 30x 0.00016; 1000 Genomes Project 0.00020.
gnomAD v4.1: 4 of 1,612,552 alleles (0.00025%); highest among the groups gnomAD compares: South Asian, 0.0011%; no homozygotes.

Submission:

Labcorp Genetics (formerly Invitae), Labcorp
Classification: Uncertain significance for Cryptosporidiosis-chronic cholangitis-liver disease syndrome. Last evaluated: 2022-10-03. Review status: criteria provided, single submitter. Criteria: Invitae Variant Classification Sherloc (09022015). Collection method: clinical testing. Allele origin: germline.
Comment: In summary, the available evidence is currently insufficient to determine the role of this variant in disease. Therefore, it has been classified as a Variant of Uncertain Significance. Advanced modeling of protein sequence and biophysical properties (such as structural, functional, and spatial information, amino acid conservation, physicochemical variation, residue mobility, and thermodynamic stability) performed at Invitae indicates that this missense variant is not expected to disrupt IL21R protein function. ClinVar contains an entry for this variant (Variation ID: 1052707). This variant has not been reported in the literature in individuals affected with IL21R-related conditions. The frequency data for this variant in the population databases is considered unreliable, as metrics indicate poor data quality at this position in the gnomAD database. This sequence change replaces proline, which is neutral and non-polar, with serine, which is neutral and polar, at codon 259 of the IL21R protein (p.Pro259Ser).

NM_181078.3(IL21R):c.775C>T (p.Pro259Ser)

Gene: IL21R (interleukin 21 receptor; plus strand). Cytogenetic location: 16p12.1.
Variant type: single nucleotide variant.
Coding change: c.775C>T on transcript NM_181078.3 (MANE Select); coding-DNA position 775, C replaced by T.
Protein change: p.Pro259Ser; replaces proline 259 with serine.
Molecular consequence: missense variant.
Genome position (GRCh38, 1-based): chr16:27,445,266, C>T. VCF-style: chr16-27445266-C-T. GRCh37 (hg19) VCF-style: chr16-27456587-C-T.
Other names: c.775C>T, p.Pro259Ser (NM_021798.4); c.841C>T, p.Pro281Ser (NM_181079.5); short protein forms P259S, P281S.
Identifiers: ClinVar variation 1052707 (VCV001052707.7), dbSNP rs534119618, ClinGen allele CA7975049.